The following is an entry in ClinVar:

ClinVar aggregate classification (germline): Benign/Likely benign. Review status: criteria provided, multiple submitters, no conflicts (2 of 4 stars). 6 submissions from 5 submitters: Benign (3); Likely benign (3). Last evaluated 2026-02-01.

Conditions:
Glucocorticoid-remediable aldosteronism. Also called: Hyperaldosteronism, familial, type I; ACTH-DEPENDENT HYPERALDOSTERONISM SYNDROME; ALDOSTERONISM, SENSITIVE TO DEXAMETHASONE; FH I; GLUCOCORTICOID-SUPPRESSIBLE HYPERALDOSTERONISM. Identifiers: Orphanet 403, MedGen C3838731, MONDO:0007080, OMIM 103900.
Deficiency of steroid 11-beta-monooxygenase (CYP11B1). Also called: ADRENAL HYPERPLASIA, CONGENITAL, DUE TO STEROID 11-BETA-HYDROXYLASE DEFICIENCY; 11-BETA-HYDROXYLASE DEFICIENCY; ADRENAL HYPERPLASIA IV; P450C11B1 DEFICIENCY; STEROID 11-BETA-HYDROXYLASE DEFICIENCY; Congenital adrenal hyperplasia due to 11-beta-hydroxylase deficiency. Identifiers: Orphanet 90795, MedGen C0268292, MONDO:0008729, OMIM 202010. Disease mechanism: loss of function.

Allele frequency attached by ClinVar (database versions not stated): gnomAD exomes 0.00121 and 0.00308; ExAC 0.00375; gnomAD 0.01151 and 0.01232; ESP Exome Variant Server 0.01276; TOPMed 0.01320; 1000 Genomes Project 30x 0.01546; 1000 Genomes Project 0.01558.

Submissions (6):

Labcorp Genetics (formerly Invitae), Labcorp
Classification: Likely benign. Last evaluated: 2026-02-01. Review status: criteria provided, single submitter. Criteria: Invitae Variant Classification Sherloc (09022015). Collection method: clinical testing. Allele origin: germline.

Athena Diagnostics
Classification: Benign. Last evaluated: 2025-10-17. Review status: criteria provided, single submitter. Criteria: Athena Diagnostics Criteria. Collection method: clinical testing. Allele origin: unknown.
Comment: The frequency of this variant in the general population is higher than would generally be expected for pathogenic variants in this gene.

Mayo Clinic Laboratories, Mayo Clinic
Classification: Benign. Last evaluated: 2023-10-10. Review status: criteria provided, single submitter. Criteria: ACMG Guidelines, 2015. Collection method: clinical testing. Allele origin: germline. Observed: 7 variant alleles.
Comment: BS1, BS2, BP4, BP7

Illumina Laboratory Services, Illumina
Classification: Benign for Glucocorticoid-remediable aldosteronism. Last evaluated: 2018-01-13. Review status: criteria provided, single submitter. Criteria: ICSL Variant Classification Criteria 13 December 2019. Collection method: clinical testing. Allele origin: germline.
Comment: This variant was observed in the ICSL laboratory as part of a predisposition screen in an ostensibly healthy population. It had not been previously curated by ICSL or reported in the Human Gene Mutation Database (HGMD: prior to June 1st, 2018), and was therefore a candidate for classification through an automated scoring system. Utilizing variant allele frequency, disease prevalence and penetrance estimates, and inheritance mode, an automated score was calculated to assess if this variant is too frequent to cause the disease. Based on the score and internal cut-off values, a variant classified as benign is not then subjected to further curation. The score for this variant resulted in a classification of benign for this disease.

Illumina Laboratory Services, Illumina
Classification: Likely benign for Deficiency of steroid 11-beta-monooxygenase. Last evaluated: 2018-01-13. Review status: criteria provided, single submitter. Criteria: ICSL Variant Classification Criteria 13 December 2019. Collection method: clinical testing. Allele origin: germline.
Comment: This variant was observed in the ICSL laboratory as part of a predisposition screen in an ostensibly healthy population. It had not been previously curated by ICSL or reported in the Human Gene Mutation Database (HGMD: prior to June 1st, 2018), and was therefore a candidate for classification through an automated scoring system. Utilizing variant allele frequency, disease prevalence and penetrance estimates, and inheritance mode, an automated score was calculated to assess if this variant is too frequent to cause the disease. Based on the score and internal cut-off values, a variant classified as likely benign is not then subjected to further curation. The score for this variant resulted in a classification of likely benign for this disease.

Breakthrough Genomics
Classification: Likely benign. Review status: criteria provided, single submitter. Criteria: ACMG Guidelines, 2015. Collection method: not provided. Allele origin: germline. Inheritance: Autosomal recessive inheritance. Affected: yes.

Literature cited by the submitters: PubMed 16984984 (cited by Athena Diagnostics); PubMed 19820005 (cited by Athena Diagnostics).

NM_000497.4(CYP11B1):c.1353T>C (p.Leu451=)

Genes: CYP11B1 (cytochrome P450 family 11 subfamily B member 1; minus strand), LOC106799833 (CYP11B1 recombination region; plus strand). Cytogenetic location: 8q24.3.
Variant type: single nucleotide variant.
Coding change: c.1353T>C on transcript NM_000497.4 (MANE Select); coding-DNA position 1353, T replaced by C.
Protein change: p.Leu451=; no amino-acid change (leucine 451 retained).
Molecular consequence: synonymous variant. On other transcripts: intron variant (1).
Genome position (GRCh38, 1-based): chr8:142,875,002, A>G on the plus strand (T>C on the coding strand, the complement: CYP11B1 is on the minus strand). VCF-style: chr8-142875002-A-G. GRCh37 (hg19) VCF-style: chr8-143956418-A-G.
Other names: p.Leu451=; c.1200+232T>C (NM_001026213.1).
Identifiers: ClinVar variation 362147 (VCV000362147.22), dbSNP rs5316, ClinGen allele CA4905012.